The following is an entry in ClinVar:

ClinVar aggregate classification (germline): Likely benign. Review status: criteria provided, multiple submitters, no conflicts (2 of 4 stars). 3 submissions from 3 submitters: Likely benign (3). Last evaluated 2026-01-28.

Conditions:
Inborn genetic diseases. Identifiers: MedGen C0950123, MeSH D030342.
Neuronal ceroid lipofuscinosis. Also called: Neuronal Ceroid Lipofuscinoses. Identifiers: Orphanet 216, Orphanet 79263, MedGen C0027877, MONDO:0016295. Disease mechanism: loss of function.

Allele frequency attached by ClinVar (database versions not stated): gnomAD 0.00001 and 0.00003; gnomAD exomes 0.00001 and 0.00005; TOPMed 0.00004; ExAC 0.00005; ESP Exome Variant Server 0.00008.

Submissions (3):

Labcorp Genetics (formerly Invitae), Labcorp
Classification: Likely benign for Neuronal ceroid lipofuscinosis. Last evaluated: 2026-01-28. Review status: criteria provided, single submitter. Criteria: Invitae Variant Classification Sherloc (09022015). Collection method: clinical testing. Allele origin: germline.

Ambry Genetics
Classification: Likely benign for Inborn genetic diseases. Last evaluated: 2018-03-23. Review status: criteria provided, single submitter. Criteria: Ambry Variant Classification Scheme 2023. Collection method: clinical testing. Allele origin: germline.

GeneDx
Classification: Likely benign. Last evaluated: 2015-11-30. Review status: criteria provided, single submitter. Criteria: GeneDx Variant Classification (06012015). Collection method: clinical testing. Allele origin: germline. Affected: yes.
Comment: This variant is considered likely benign or benign based on one or more of the following criteria: it is a conservative change, it occurs at a poorly conserved position in the protein, it is predicted to be benign by multiple in silico algorithms, and/or has population frequency not consistent with disease.

NM_018941.4(CLN8):c.843G>A (p.Leu281=)

Gene: CLN8 (CLN8 transmembrane ER and ERGIC protein; plus strand). Cytogenetic location: 8p23.3.
Variant type: single nucleotide variant.
Coding change: c.843G>A on transcript NM_018941.4 (MANE Select); coding-DNA position 843, G replaced by A.
Protein change: p.Leu281=; no amino-acid change (leucine 281 retained).
Molecular consequence: synonymous variant.
Genome position (GRCh38, 1-based): chr8:1,780,549, G>A. VCF-style: chr8-1780549-G-A. GRCh37 (hg19) VCF-style: chr8-1728715-G-A.
Identifiers: ClinVar variation 377701 (VCV000377701.13), dbSNP rs367703234, ClinGen allele CA4599365.